The following is an entry in ClinVar:

NM_006231.4(POLE):c.3289G>T (p.Ala1097Ser)

Gene: POLE (DNA polymerase epsilon, catalytic subunit; minus strand). Cytogenetic location: 12q24.33.
Variant type: single nucleotide variant.
Coding change: c.3289G>T on transcript NM_006231.4 (MANE Select); coding-DNA position 3289, G replaced by T.
Protein change: p.Ala1097Ser; replaces alanine 1097 with serine.
Molecular consequence: missense variant.
Genome position (GRCh38, 1-based): chr12:132,657,957, C>A on the plus strand (G>T on the coding strand, the complement: POLE is on the minus strand). VCF-style: chr12-132657957-C-A. GRCh37 (hg19) VCF-style: chr12-133234543-C-A.
Other names: c.3289G>T (NM_006231.2); short protein forms A1097S.
Identifiers: ClinVar variation 3665817 (VCV003665817.3).

ClinVar aggregate classification (germline): Uncertain significance. Review status: criteria provided, multiple submitters, no conflicts (2 of 4 stars). 2 submissions from 2 submitters: Uncertain significance (2). Last evaluated 2025-12-30.

Conditions:
Hereditary cancer-predisposing syndrome. Also called: Hereditary Cancer Syndrome; Neoplastic Syndromes, Hereditary; Tumor predisposition; Hereditary neoplastic syndrome. Identifiers: Orphanet 140162, MedGen C0027672, MeSH D009386, MONDO:0015356.

Submissions (2):

Ambry Genetics
Classification: Uncertain significance for Hereditary cancer-predisposing syndrome. Last evaluated: 2025-12-30. Review status: criteria provided, single submitter. Criteria: Ambry Variant Classification Scheme 2023. Collection method: clinical testing. Allele origin: germline.
Comment: The p.A1097S variant (also known as c.3289G>T), located in coding exon 27 of the POLE gene, results from a G to T substitution at nucleotide position 3289. The alanine at codon 1097 is replaced by serine, an amino acid with similar properties. This amino acid position is highly conserved in available vertebrate species. In addition, the in silico prediction for this alteration is inconclusive. Based on the available evidence, the clinical significance of this variant remains unclear.

Labcorp Genetics (formerly Invitae), Labcorp
Classification: Uncertain significance. Last evaluated: 2025-01-30. Review status: criteria provided, single submitter. Criteria: Invitae Variant Classification Sherloc (09022015). Collection method: clinical testing. Allele origin: germline.
Comment: This sequence change replaces alanine, which is neutral and non-polar, with serine, which is neutral and polar, at codon 1097 of the POLE protein (p.Ala1097Ser). This variant is not present in population databases (gnomAD no frequency). This variant has not been reported in the literature in individuals affected with POLE-related conditions. Invitae Evidence Modeling of protein sequence and biophysical properties (such as structural, functional, and spatial information, amino acid conservation, physicochemical variation, residue mobility, and thermodynamic stability) indicates that this missense variant is not expected to disrupt POLE protein function with a negative predictive value of 80%. In summary, the available evidence is currently insufficient to determine the role of this variant in disease. Therefore, it has been classified as a Variant of Uncertain Significance.